The following is an entry in ClinVar:

ClinVar aggregate classification (germline): Uncertain significance (1 of 4 stars; one submission).

Submission:

Labcorp Genetics (formerly Invitae), Labcorp
Classification: Uncertain significance. Last evaluated: 2023-06-29. Review status: criteria provided, single submitter. Criteria: Invitae Variant Classification Sherloc (09022015). Collection method: clinical testing. Allele origin: germline.
Comment: Advanced modeling of protein sequence and biophysical properties (such as structural, functional, and spatial information, amino acid conservation, physicochemical variation, residue mobility, and thermodynamic stability) performed at Invitae indicates that this missense variant is expected to disrupt KMT2C protein function. In summary, the available evidence is currently insufficient to determine the role of this variant in disease. Therefore, it has been classified as a Variant of Uncertain Significance. ClinVar contains an entry for this variant (Variation ID: 1414765). This variant has not been reported in the literature in individuals affected with KMT2C-related conditions. This variant is not present in population databases (gnomAD no frequency). This sequence change replaces glutamic acid, which is acidic and polar, with aspartic acid, which is acidic and polar, at codon 3775 of the KMT2C protein (p.Glu3775Asp).

NM_170606.3(KMT2C):c.11325A>T (p.Glu3775Asp)

Gene: KMT2C (lysine methyltransferase 2C; minus strand). Cytogenetic location: 7q36.1.
Variant type: single nucleotide variant.
Coding change: c.11325A>T on transcript NM_170606.3 (MANE Select); coding-DNA position 11325, A replaced by T.
Protein change: p.Glu3775Asp; replaces glutamic acid 3775 with aspartic acid.
Molecular consequence: missense variant.
Genome position (GRCh38, 1-based): chr7:152,162,252, T>A on the plus strand (A>T on the coding strand, the complement: KMT2C is on the minus strand). VCF-style: chr7-152162252-T-A. GRCh37 (hg19) VCF-style: chr7-151859337-T-A.
Other names: short protein forms E3775D.
Identifiers: ClinVar variation 1414765 (VCV001414765.8), dbSNP rs2129103632, ClinGen allele CA370100943.
Genomic context (GRCh38, chr7:152,162,252, plus strand): 5'-CTCAGGTTTTTGATTCAAAAGAGAAGATGACTTTTTATTTTTCAACAAGTGTTTCAGAAG[T>A]TCATTCCCTGAGTCTCCTTTGGCAGCAGGGGCCCCAGCAGAATGGGGAGGACTCTGTGCT-3'
Protein context (NP_733751.2, residues 3765-3785): APAAKGDSGN[Glu3775Asp]LLKHLLKNKK